The following is an entry in ClinVar:

ClinVar aggregate classification (germline): Uncertain significance. Review status: criteria provided, multiple submitters, no conflicts (2 of 4 stars). 2 submissions from 2 submitters: Uncertain significance (2). Last evaluated 2023-03-24.

Conditions:
Sulfite oxidase deficiency due to molybdenum cofactor deficiency type A. Also called: Molybdenum cofactor deficiency, complementation group A; Molybdenum Cofactor Deficiency A. Identifiers: Orphanet 308386, Orphanet 833, MedGen C1854988, MONDO:0009643, OMIM 252150.
Inborn genetic diseases. Identifiers: MedGen C0950123, MeSH D030342.

gnomAD v4.1: 19 of 1,611,764 alleles (0.0012%); highest among the groups gnomAD compares: Admixed American, 0.0033%; no homozygotes.

Submissions (2):

Ambry Genetics
Classification: Uncertain significance for Inborn genetic diseases. Last evaluated: 2023-03-24. Review status: criteria provided, single submitter. Criteria: Ambry Variant Classification Scheme 2023. Collection method: clinical testing. Allele origin: germline.

Labcorp Genetics (formerly Invitae), Labcorp
Classification: Uncertain significance for Sulfite oxidase deficiency due to molybdenum cofactor deficiency type A. Last evaluated: 2021-09-01. Review status: criteria provided, single submitter. Criteria: Invitae Variant Classification Sherloc (09022015). Collection method: clinical testing. Allele origin: germline.
Comment: This sequence change replaces arginine with tryptophan at codon 378 of the MOCS1 protein (p.Arg378Trp). The arginine residue is moderately conserved and there is a moderate physicochemical difference between arginine and tryptophan. This variant is present in population databases (rs149586823, ExAC 0.003%). This variant has not been reported in the literature in individuals affected with MOCS1-related conditions. Algorithms developed to predict the effect of missense changes on protein structure and function are either unavailable or do not agree on the potential impact of this missense change (SIFT: "Deleterious"; PolyPhen-2: "Probably Damaging"; Align-GVGD: "Class C0"). In summary, the available evidence is currently insufficient to determine the role of this variant in disease. Therefore, it has been classified as a Variant of Uncertain Significance.

NM_001358530.2(MOCS1):c.1132C>T (p.Arg378Trp)

Gene: MOCS1 (molybdenum cofactor synthesis 1; minus strand). Cytogenetic location: 6p21.2.
Variant type: single nucleotide variant.
Coding change: c.1132C>T on transcript NM_001358530.2 (MANE Select); coding-DNA position 1132, C replaced by T.
Protein change: p.Arg378Trp; replaces arginine 378 with tryptophan.
Molecular consequence: missense variant. On other transcripts: intron variant (1).
Genome position (GRCh38, 1-based): chr6:39,909,073, G>A on the plus strand (C>T on the coding strand, the complement: MOCS1 is on the minus strand). VCF-style: chr6-39909073-G-A. GRCh37 (hg19) VCF-style: chr6-39876849-G-A.
Other names: c.1132C>T, p.Arg378Trp (NM_001075098.4, NM_005943.6); c.871C>T, p.Arg291Trp (NM_001358531.2, NM_001358533.2, NM_001358534.2); c.1102+762C>T (NM_001358529.2); c.1132C>T (NM_005943.5); short protein forms R378W, R291W.
Identifiers: ClinVar variation 1461452 (VCV001461452.6), dbSNP rs149586823, ClinGen allele CA3796020.
Genomic context (GRCh38, chr6:39,909,073, plus strand): 5'-AAATGACAAGGGTGAGTGGTTACGTACTGATGGGTCACCCACCGATGAGGATCATGGGCC[G>A]GTTCTTCATCTGGGAAATACTGAACATGCCTGGGGTGAGGGAAAGATGGGGAGGGAGAGG-3'
Protein context (NP_001345459.1, residues 368-388): GMFSISQMKN[Arg378Trp]PMILIELFLM